The following is an entry in ClinVar:

ClinVar aggregate classification (germline): Likely benign. Review status: criteria provided, multiple submitters, no conflicts (2 of 4 stars). 3 submissions from 3 submitters: Likely benign (3). Last evaluated 2024-01-15.

Conditions:
Ehlers-Danlos syndrome, spondylodysplastic type, 3. Also called: Ehlers-Danlos syndrome, spondylocheirodysplastic type. Identifiers: Orphanet 157965, MedGen C2676510, MONDO:0012873, OMIM 612350.

Allele frequency attached by ClinVar (database versions not stated): gnomAD below 0.00001 and 0.00006; TOPMed 0.00001; gnomAD exomes 0.00008 and 0.00018; ExAC 0.00015; 1000 Genomes Project 30x 0.00062; 1000 Genomes Project 0.00080.

Submissions (3):

Labcorp Genetics (formerly Invitae), Labcorp
Classification: Likely benign for Ehlers-Danlos syndrome, spondylodysplastic type, 3. Last evaluated: 2024-01-15. Review status: criteria provided, single submitter. Criteria: Invitae Variant Classification Sherloc (09022015). Collection method: clinical testing. Allele origin: germline.

Blueprint Genetics
Classification: Likely benign. Last evaluated: 2019-11-13. Review status: criteria provided, single submitter. Criteria: ACMG Guidelines, 2015. Collection method: clinical testing. Allele origin: germline.

GeneDx
Classification: Likely benign. Last evaluated: 2017-03-27. Review status: criteria provided, single submitter. Criteria: GeneDx Variant Classification (06012015). Collection method: clinical testing. Allele origin: germline. Affected: yes.
Comment: This variant is considered likely benign or benign based on one or more of the following criteria: it is a conservative change, it occurs at a poorly conserved position in the protein, it is predicted to be benign by multiple in silico algorithms, and/or has population frequency not consistent with disease.

NM_001128225.3(SLC39A13):c.153G>A (p.Lys51=)

Gene: SLC39A13 (solute carrier family 39 member 13; plus strand). Cytogenetic location: 11p11.2.
Variant type: single nucleotide variant.
Coding change: c.153G>A on transcript NM_001128225.3 (MANE Select); coding-DNA position 153, G replaced by A.
Protein change: p.Lys51=; no amino-acid change (lysine 51 retained).
Molecular consequence: synonymous variant. On other transcripts: non-coding transcript variant (1).
Genome position (GRCh38, 1-based): chr11:47,410,247, G>A. VCF-style: chr11-47410247-G-A. GRCh37 (hg19) VCF-style: chr11-47431798-G-A.
Other names: c.153G>A, p.Lys51= (NM_001330245.2, NM_152264.5).
Identifiers: ClinVar variation 508442 (VCV000508442.10), dbSNP rs529299524, ClinGen allele CA5975681.